The following is an entry in ClinVar:

ClinVar aggregate classification (germline): Uncertain significance (1 of 4 stars; one submission).

Conditions:
DiGeorge syndrome. Also called: THIRD AND FOURTH PHARYNGEAL POUCH SYNDROME; Catch22. Identifiers: Orphanet 567, MedGen C0012236, MONDO:0008564, OMIM 188400.

Submission:

Laboratory of Medical Genetics, National & Kapodistrian University of Athens
Classification: Uncertain significance for DiGeorge syndrome. Last evaluated: 2022-03-18. Review status: criteria provided, single submitter. Criteria: ACMG Guidelines, 2015. Collection method: clinical testing. Allele origin: paternal. Affected: yes.
Comment: PM2, PP3

NM_001379200.1(TBX1):c.1214C>G (p.Pro405Arg)

Gene: TBX1 (T-box transcription factor 1; plus strand). Cytogenetic location: 22q11.21.
Variant type: single nucleotide variant.
Coding change: c.1214C>G on transcript NM_001379200.1 (MANE Select); coding-DNA position 1214, C replaced by G.
Protein change: p.Pro405Arg; replaces proline 405 with arginine.
Molecular consequence: missense variant. On other transcripts: intron variant (2).
Genome position (GRCh38, 1-based): chr22:19,766,566, C>G. VCF-style: chr22-19766566-C-G. GRCh37 (hg19) VCF-style: chr22-19754089-C-G.
Other names: c.1187C>G, p.Pro396Arg (NM_080647.1); c.1009+564C>G (NM_005992.1, NM_080646.2); short protein forms P396R, P405R.
Identifiers: ClinVar variation 1708096 (VCV001708096.1), dbSNP rs746812421, ClinGen allele CA410684549.